The following is an entry in ClinVar:

ClinVar aggregate classification (germline): Uncertain significance (1 of 4 stars; one submission).

gnomAD v4.1: 1 of 1,553,756 alleles (0.000064%); highest among the groups gnomAD compares: Non-Finnish European, 0.000086%; no homozygotes.

Submission:

Labcorp Genetics (formerly Invitae), Labcorp
Classification: Uncertain significance. Last evaluated: 2025-02-10. Review status: criteria provided, single submitter. Criteria: Invitae Variant Classification Sherloc (09022015). Collection method: clinical testing. Allele origin: germline.
Comment: This sequence change replaces alanine, which is neutral and non-polar, with glutamic acid, which is acidic and polar, at codon 702 of the VAV1 protein (p.Ala702Glu). This variant is not present in population databases (gnomAD no frequency). This variant has not been reported in the literature in individuals affected with VAV1-related conditions. An algorithm developed to predict the effect of missense changes on protein structure and function (PolyPhen-2) suggests that this variant is likely to be tolerated. In summary, the available evidence is currently insufficient to determine the role of this variant in disease. Therefore, it has been classified as a Variant of Uncertain Significance.

NM_005428.4(VAV1):c.2105C>A (p.Ala702Glu)

Gene: VAV1 (vav guanine nucleotide exchange factor 1; plus strand). Cytogenetic location: 19p13.3.
Variant type: single nucleotide variant.
Coding change: c.2105C>A on transcript NM_005428.4 (MANE Select); coding-DNA position 2105, C replaced by A.
Protein change: p.Ala702Glu; replaces alanine 702 with glutamic acid.
Molecular consequence: missense variant.
Genome position (GRCh38, 1-based): chr19:6,848,090, C>A. VCF-style: chr19-6848090-C-A. GRCh37 (hg19) VCF-style: chr19-6848101-C-A.
Other names: c.2039C>A, p.Ala680Glu (NM_001258206.2); c.2009C>A, p.Ala670Glu (NM_001258207.2); short protein forms A702E, A670E, A680E.
Identifiers: ClinVar variation 4770861 (VCV004770861.1).
Genomic context (GRCh38, chr19:6,848,090, plus strand): 5'-AGAGCATCCTGGCCAACCGCTCGGACGGGACTTTCTTGGTGCGGCAGAGGGTGAAGGATG[C>A]AGCAGAATTTGCCATCAGCATTAAGTAACTCCTTTCTCCCTGACTCATACCCTTTTGGGG-3'
Protein context (NP_005419.2, residues 692-712): TFLVRQRVKD[Ala702Glu]AEFAISIKYN